The following is an entry in ClinVar:

ClinVar aggregate classification (germline): Uncertain significance. Review status: criteria provided, multiple submitters, no conflicts (2 of 4 stars). 3 submissions from 3 submitters: Uncertain significance (3). Last evaluated 2025-02-25.

Conditions:
Charcot-Marie-Tooth disease type 2. Also called: Charcot-Marie-Tooth type 2. Identifiers: Orphanet 64746, MedGen C0270914, MONDO:0018993.
Young-onset Parkinson disease. Identifiers: Orphanet 2828, MedGen C4275179, MONDO:0017279.

Allele frequency attached by ClinVar (database versions not stated): gnomAD exomes 0.00001; TOPMed 0.00001; ExAC 0.00002; gnomAD 0.00001.

Submissions (3):

Mayo Clinic Laboratories, Mayo Clinic
Classification: Uncertain significance. Last evaluated: 2025-02-25. Review status: criteria provided, single submitter. Criteria: ACMG Guidelines, 2015. Collection method: clinical testing. Allele origin: germline. Observed: 1 variant allele.

Labcorp Genetics (formerly Invitae), Labcorp
Classification: Uncertain significance for Charcot-Marie-Tooth disease type 2. Last evaluated: 2022-05-22. Review status: criteria provided, single submitter. Criteria: Invitae Variant Classification Sherloc (09022015). Collection method: clinical testing. Allele origin: germline.
Comment: In summary, the available evidence is currently insufficient to determine the role of this variant in disease. Therefore, it has been classified as a Variant of Uncertain Significance. Algorithms developed to predict the effect of missense changes on protein structure and function are either unavailable or do not agree on the potential impact of this missense change (SIFT: "Deleterious"; PolyPhen-2: "Possibly Damaging"; Align-GVGD: "Class C0"). This variant has not been reported in the literature in individuals affected with BSCL2-related conditions. This variant is present in population databases (rs140762669, gnomAD 0.004%). This sequence change replaces proline, which is neutral and non-polar, with serine, which is neutral and polar, at codon 5 of the BSCL2 protein (p.Pro5Ser).

Cambridge Genomics Laboratory, East Genomic Laboratory Hub, NHS Genomic Medicine Service
Classification: Uncertain significance for Young-onset Parkinson disease. Last evaluated: 2020-03-20. Review status: criteria provided, single submitter. Criteria: ACGS Best Practice Guidelines for Variant Classification in Rare Disease 2020. Collection method: clinical testing. Allele origin: germline. Affected: yes. Observed: 1 variant allele.

Literature cited by the submitters: PubMed 32041611 (cited by Mayo Clinic Laboratories, Mayo Clinic).

NM_001122955.4(BSCL2):c.205C>T (p.Pro69Ser)

Genes: BSCL2 (BSCL2 lipid droplet biogenesis associated, seipin; minus strand), HNRNPUL2-BSCL2 (HNRNPUL2-BSCL2 readthrough (NMD candidate); minus strand). Cytogenetic location: 11q12.3.
Variant type: single nucleotide variant.
Coding change: c.205C>T on transcript NM_001122955.4 (MANE Select); coding-DNA position 205, C replaced by T.
Protein change: p.Pro69Ser; replaces proline 69 with serine.
Molecular consequence: missense variant. On other transcripts: non-coding transcript variant (1).
Genome position (GRCh38, 1-based): chr11:62,705,500, G>A on the plus strand (C>T on the coding strand, the complement: BSCL2 is on the minus strand). VCF-style: chr11-62705500-G-A. GRCh37 (hg19) VCF-style: chr11-62472972-G-A.
Other names: p.Pro5Ser; c.13C>T, p.Pro5Ser (NM_001130702.2, NM_032667.6); c.205C>T, p.Pro69Ser (NM_001386027.1, NM_001386028.1); short protein forms P5S, P69S.
Identifiers: ClinVar variation 1974859 (VCV001974859.7), dbSNP rs140762669, ClinGen allele CA6053640.